The following is an entry in ClinVar:

ClinVar aggregate classification (germline): Uncertain significance (1 of 4 stars; one submission).

Allele frequency attached by ClinVar (database versions not stated): TOPMed below 0.00001; ExAC 0.00001; gnomAD exomes 0.00001.
gnomAD v4.1: 7 of 1,614,096 alleles (0.00043%); highest among the groups gnomAD compares: Non-Finnish European, 0.00059%; no homozygotes.

Submission:

Labcorp Genetics (formerly Invitae), Labcorp
Classification: Uncertain significance. Last evaluated: 2022-12-19. Review status: criteria provided, single submitter. Criteria: Invitae Variant Classification Sherloc (09022015). Collection method: clinical testing. Allele origin: germline.
Comment: Advanced modeling of protein sequence and biophysical properties (such as structural, functional, and spatial information, amino acid conservation, physicochemical variation, residue mobility, and thermodynamic stability) performed at Invitae indicates that this missense variant is not expected to disrupt KIF22 protein function. In summary, the available evidence is currently insufficient to determine the role of this variant in disease. Therefore, it has been classified as a Variant of Uncertain Significance. This variant has not been reported in the literature in individuals affected with KIF22-related conditions. This variant is present in population databases (rs761698744, gnomAD 0.0009%). This sequence change replaces leucine, which is neutral and non-polar, with serine, which is neutral and polar, at codon 383 of the KIF22 protein (p.Leu383Ser).

NM_007317.3(KIF22):c.1148T>C (p.Leu383Ser)

Gene: KIF22 (kinesin family member 22; plus strand). Cytogenetic location: 16p11.2.
Variant type: single nucleotide variant.
Coding change: c.1148T>C on transcript NM_007317.3 (MANE Select); coding-DNA position 1148, T replaced by C.
Protein change: p.Leu383Ser; replaces leucine 383 with serine.
Molecular consequence: missense variant.
Genome position (GRCh38, 1-based): chr16:29,799,916, T>C. VCF-style: chr16-29799916-T-C. GRCh37 (hg19) VCF-style: chr16-29811237-T-C.
Other names: c.944T>C, p.Leu315Ser (NM_001256269.2, NM_001256270.1); short protein forms L315S, L383S.
Identifiers: ClinVar variation 3007809 (VCV003007809.3), dbSNP rs761698744, ClinGen allele CA7993193.
Genomic context (GRCh38, chr16:29,799,916, plus strand): 5'-AGCACAGAGGCTGACCACCCCCAATCCCTCTCTCCACCCCATCCTCCAATCATCTAGCCT[T>C]GGGACCTGTTAAGCTGTCTCAGAAAGAATTGCTTGGTCCACCAGAGGCAAAGAGAGCCCG-3'
Protein context (NP_015556.1, residues 373-393): FTNESLQPHA[Leu383Ser]GPVKLSQKEL